The following is an entry in ClinVar:

ClinVar aggregate classification (germline): Pathogenic/Likely pathogenic. Review status: criteria provided, multiple submitters, no conflicts (2 of 4 stars). 2 submissions from 2 submitters: Pathogenic (1); Likely pathogenic (1). Last evaluated 2022-05-04.

Conditions:
Familial thoracic aortic aneurysm and aortic dissection (TAAD). Also called: Thoracic aortic aneurysms and dissections. Identifiers: Orphanet 91387, MedGen C4707243, MONDO:0019625.
Arterial tortuosity syndrome (ATORS). Identifiers: Orphanet 3342, MedGen C1859726, MONDO:0008818, OMIM 208050.

Submissions (2):

Labcorp Genetics (formerly Invitae), Labcorp
Classification: Pathogenic for Arterial tortuosity syndrome. Last evaluated: 2022-05-04. Review status: criteria provided, single submitter. Criteria: Invitae Variant Classification Sherloc (09022015). Collection method: clinical testing. Allele origin: germline.
Comment: For these reasons, this variant has been classified as Pathogenic. This variant has not been reported in the literature in individuals affected with SLC2A10-related conditions. This variant is not present in population databases (gnomAD no frequency). This sequence change creates a premature translational stop signal (p.Trp162Glyfs*83) in the SLC2A10 gene. It is expected to result in an absent or disrupted protein product. Loss-of-function variants in SLC2A10 are known to be pathogenic (PMID: 17935213, 22488877, 23494979).

CHEO Genetics Diagnostic Laboratory, Children's Hospital of Eastern Ontario
Classification: Likely pathogenic for Familial thoracic aortic aneurysm and aortic dissection. Last evaluated: 2021-06-24. Review status: criteria provided, single submitter. Criteria: ACMG Guidelines, 2015. Collection method: clinical testing. Allele origin: germline.

Literature cited by the submitters: PubMed 17935213 (cited by Labcorp Genetics (formerly Invitae), Labcorp); PubMed 22488877 (cited by Labcorp Genetics (formerly Invitae), Labcorp); PubMed 23494979 (cited by Labcorp Genetics (formerly Invitae), Labcorp).

NM_030777.4(SLC2A10):c.483del (p.Trp162fs)

Gene: SLC2A10 (solute carrier family 2 member 10; plus strand). Cytogenetic location: 20q13.12.
Variant type: Deletion.
Coding change: c.483del on transcript NM_030777.4 (MANE Select); coding-DNA position 483, one base deleted (C; older notation c.483delC).
Protein change: p.Trp162fs; shifts the reading frame from tryptophan 162.
Molecular consequence: frameshift variant.
Genome position (GRCh38, 1-based): chr20:46,725,519, C deleted; the last of 5 consecutive C bases (chr20:46,725,515-46,725,519); deleting any one gives the same sequence. VCF-style (leftmost placement, unchanged base first): chr20-46725514-AC-A. GRCh37 (hg19) VCF-style: chr20-45354153-AC-A.
Other names: c.483del (NM_030777.3); short protein forms W162fs.
Identifiers: ClinVar variation 1392857 (VCV001392857.7), dbSNP rs2123045187, ClinGen allele CA2573157155.
Genomic context (GRCh38, chr20:46,725,514, plus strand): 5'-GAGGCAGGCATCACCGTGGGCATCCTGCTCTCCTATGCCCTCAACTATGCACTGGCTGGT[AC>A]CCCCTGGGGATGGAGGCACATGTTCGGCTGGGCCACTGCACCTGCTGTCCTGCAATCCCT-3'